The following is an entry in ClinVar:

ClinVar aggregate classification (germline): Likely benign (1 of 4 stars; one submission).

gnomAD v4.1: 13 of 1,551,396 alleles (0.00084%); highest among the groups gnomAD compares: Non-Finnish European, 0.0011%; no homozygotes.

Submission:

CeGaT Center for Human Genetics Tuebingen
Classification: Likely benign. Last evaluated: 2026-07-01. Review status: criteria provided, single submitter. Criteria: CeGaT Center For Human Genetics Tuebingen Variant Classification Criteria Version 2. Collection method: clinical testing. Allele origin: germline. Affected: yes. Observed: 1 variant allele.
Comment: SETD1B: BP4

NM_001353345.2(SETD1B):c.3686G>T (p.Gly1229Val)

Gene: SETD1B (SET domain containing 1B, histone lysine methyltransferase; plus strand). Cytogenetic location: 12q24.31.
Variant type: single nucleotide variant.
Coding change: c.3686G>T on transcript NM_001353345.2 (MANE Select); coding-DNA position 3686, G replaced by T.
Protein change: p.Gly1229Val; replaces glycine 1229 with valine.
Molecular consequence: missense variant.
Genome position (GRCh38, 1-based): chr12:121,819,671, G>T. VCF-style: chr12-121819671-G-T. GRCh37 (hg19) VCF-style: chr12-122257577-G-T.
Other names: short protein forms G1229V.
Identifiers: ClinVar variation 5041891 (VCV005041891.1).